The following is an entry in ClinVar:

ClinVar aggregate classification (germline): Likely benign. Review status: criteria provided, multiple submitters, no conflicts (2 of 4 stars). 2 submissions from 2 submitters: Likely benign (2). Last evaluated 2017-04-27.

Conditions:
Generalized juvenile polyposis/juvenile polyposis coli. Also called: Juvenile polyposis coli. Identifiers: Orphanet 329971, MedGen C1868081, MONDO:0008276.

Allele frequency attached by ClinVar (database versions not stated): 1000 Genomes Project 0.03634; gnomAD 0.06527 and 0.06380; 1000 Genomes Project 30x 0.03810; gnomAD exomes 0.07931.
gnomAD v4.1: 16,193 of 233,044 alleles (6.9%); highest among the groups gnomAD compares: Middle Eastern, 11%; 217 homozygotes.

Submissions (2):

Illumina Laboratory Services, Illumina
Classification: Likely benign for Juvenile polyposis syndrome. Last evaluated: 2017-04-27. Review status: criteria provided, single submitter. Criteria: ICSL Variant Classification Criteria 13 December 2019. Collection method: clinical testing. Allele origin: germline.
Comment: This variant was observed as part of a predisposition screen in an ostensibly healthy population. A literature search was performed for the gene, cDNA change, and amino acid change (where applicable). No publications were found based on this search. Allele frequency data from public databases allowed determination this variant is unlikely to cause disease. Therefore, this variant is classified as likely benign.

Breakthrough Genomics
Classification: Likely benign. Review status: criteria provided, single submitter. Criteria: ACMG Guidelines, 2015. Collection method: not provided. Allele origin: germline. Inheritance: Autosomal dominant inheritance. Affected: yes.

NM_004329.3(BMPR1A):c.*886C>T

Gene: BMPR1A (bone morphogenetic protein receptor type 1A; plus strand). Cytogenetic location: 10q23.2.
Variant type: single nucleotide variant.
Coding change: c.*886C>T on transcript NM_004329.3 (MANE Select); 886 bases downstream of the stop codon, C replaced by T.
Molecular consequence: 3 prime UTR variant.
Genome position (GRCh38, 1-based): chr10:86,924,605, C>T. VCF-style: chr10-86924605-C-T. GRCh37 (hg19) VCF-style: chr10-88684362-C-T.
Identifiers: ClinVar variation 301365 (VCV000301365.6), dbSNP rs149499991, ClinGen allele CA10636339.